The following is an entry in ClinVar:

NM_006231.4(POLE):c.2706+3G>A

Gene: POLE (DNA polymerase epsilon, catalytic subunit; minus strand). Cytogenetic location: 12q24.33.
Variant type: single nucleotide variant.
Coding change: c.2706+3G>A on transcript NM_006231.4 (MANE Select); 3 bases into the intron after coding-DNA position 2706, G replaced by A.
Molecular consequence: intron variant.
Genome position (GRCh38, 1-based): chr12:132,664,001, C>T on the plus strand (G>A on the coding strand, the complement: POLE is on the minus strand). VCF-style: chr12-132664001-C-T. GRCh37 (hg19) VCF-style: chr12-133240587-C-T.
Other names: c.2706+3G>A (NM_006231.2).
Identifiers: ClinVar variation 852635 (VCV000852635.9), dbSNP rs2042734486, ClinGen allele CA916082363.

ClinVar aggregate classification (germline): Uncertain significance. Review status: criteria provided, multiple submitters, no conflicts (2 of 4 stars). 2 submissions from 2 submitters: Uncertain significance (2). Last evaluated 2026-08-24.

Conditions:
Hereditary cancer-predisposing syndrome. Also called: Tumor predisposition; Hereditary neoplastic syndrome; Neoplastic Syndromes, Hereditary; Hereditary Cancer Syndrome. Identifiers: Orphanet 140162, MedGen C0027672, MeSH D009386, MONDO:0015356.

Submissions (2):

Ambry Genetics
Classification: Uncertain significance for Hereditary cancer-predisposing syndrome. Last evaluated: 2026-08-24. Review status: criteria provided, single submitter. Criteria: Ambry Variant Classification Scheme 2023. Collection method: clinical testing. Allele origin: germline.
Comment: The c.2706+3G>A intronic variant results from a G to A substitution 3 nucleotides after coding exon 23 in the POLE gene. This nucleotide position is poorly conserved in available vertebrate species. In silico splice site analysis predicts that this alteration will not have any significant effect on splicing. Based on the available evidence, the clinical significance of this variant remains unclear.

Labcorp Genetics (formerly Invitae), Labcorp
Classification: Uncertain significance. Last evaluated: 2020-07-24. Review status: criteria provided, single submitter. Criteria: Invitae Variant Classification Sherloc (09022015). Collection method: clinical testing. Allele origin: germline.
Comment: In summary, the available evidence is currently insufficient to determine the role of this variant in disease. Therefore, it has been classified as a Variant of Uncertain Significance. Nucleotide substitutions within the consensus splice site are a relatively common cause of aberrant splicing (PMID: 17576681, 9536098). Algorithms developed to predict the effect of sequence changes on RNA splicing suggest that this variant is not likely to affect RNA splicing, but this prediction has not been confirmed by published transcriptional studies. This variant has not been reported in the literature in individuals with POLE-related conditions. This variant is not present in population databases (ExAC no frequency). This sequence change falls in intron 23 of the POLE gene. It does not directly change the encoded amino acid sequence of the POLE protein, but it affects a nucleotide within the consensus splice site of the intron.

Literature cited by the submitters: PubMed 17576681 (cited by Labcorp Genetics (formerly Invitae), Labcorp); PubMed 9536098 (cited by Labcorp Genetics (formerly Invitae), Labcorp).